The following is an entry in ClinVar:

ClinVar aggregate classification (germline): Benign. Review status: criteria provided, multiple submitters, no conflicts (2 of 4 stars). 11 submissions from 10 submitters: Benign (9). 2 of the submissions do not count toward it. Last evaluated 2026-05-09.

Conditions:
Type 2 collagenopathy. Identifiers: Orphanet 93421, MedGen C2931073, MONDO:0022800.
Stickler syndrome type 1 (STL1). Also called: STICKLER SYNDROME, MEMBRANOUS VITREOUS TYPE; STICKLER SYNDROME, VITREOUS TYPE 1; ARTHROOPHTHALMOPATHY, HEREDITARY PROGRESSIVE; COL2A1-Related Stickler Syndrome. Identifiers: Orphanet 828, Orphanet 90653, MedGen C2020284, MONDO:0007160, OMIM 108300.

Allele frequency attached by ClinVar (database versions not stated): gnomAD exomes 0.00846 and 0.02023; ExAC 0.02370; gnomAD 0.04338 and 0.04377; TOPMed 0.04665; ESP Exome Variant Server 0.04798; 1000 Genomes Project 0.06689; 1000 Genomes Project 30x 0.06824.
gnomAD v4.1: 19,396 of 1,614,106 alleles (1.2%); highest among the groups gnomAD compares: African/African-American, 14%; 1,065 homozygotes.

Submissions (11):

Women's Health and Genetics/Laboratory Corporation of America, LabCorp
Classification: Benign. Last evaluated: 2026-05-09. Review status: criteria provided, single submitter. Criteria: LabCorp Variant Classification Summary - May 2015. Collection method: clinical testing. Allele origin: germline.

Labcorp Genetics (formerly Invitae), Labcorp
Classification: Benign. Last evaluated: 2026-02-04. Review status: criteria provided, single submitter. Criteria: Invitae Variant Classification Sherloc (09022015). Collection method: clinical testing. Allele origin: germline.

Blueprint Genetics
Classification: Benign. Last evaluated: 2024-11-27. Review status: criteria provided, single submitter. Criteria: ACMG Guidelines, 2015. Collection method: clinical testing. Allele origin: germline.

ARUP Laboratories, Molecular Genetics and Genomics, ARUP Laboratories
Classification: Benign. Last evaluated: 2023-05-02. Review status: criteria provided, single submitter. Criteria: ARUP Molecular Germline Variant Investigation Process 2024. Collection method: clinical testing. Allele origin: germline.

Illumina Laboratory Services, Illumina
Classification: Benign for Type II Collagenopathies. Last evaluated: 2018-01-13. Review status: criteria provided, single submitter. Criteria: ICSL Variant Classification Criteria 13 December 2019. Collection method: clinical testing. Allele origin: germline.
Comment: This variant was observed in the ICSL laboratory as part of a predisposition screen in an ostensibly healthy population. It had not been previously curated by ICSL or reported in the Human Gene Mutation Database (HGMD: prior to June 1st, 2018), and was therefore a candidate for classification through an automated scoring system. Utilizing variant allele frequency, disease prevalence and penetrance estimates, and inheritance mode, an automated score was calculated to assess if this variant is too frequent to cause the disease. Based on the score and internal cut-off values, a variant classified as benign is not then subjected to further curation. The score for this variant resulted in a classification of benign for this disease.

Illumina Laboratory Services, Illumina
Classification: Benign for Stickler syndrome type 1. Last evaluated: 2018-01-13. Review status: criteria provided, single submitter. Criteria: ICSL Variant Classification Criteria 13 December 2019. Collection method: clinical testing. Allele origin: germline.
Comment: the same text as in the submission from Illumina Laboratory Services, Illumina above.

GeneDx
Classification: Benign. Last evaluated: 2016-05-27. Review status: criteria provided, single submitter. Criteria: GeneDx Variant Classification (06012015). Collection method: clinical testing. Allele origin: germline. Affected: yes.
Comment: This variant is considered likely benign or benign based on one or more of the following criteria: it is a conservative change, it occurs at a poorly conserved position in the protein, it is predicted to be benign by multiple in silico algorithms, and/or has population frequency not consistent with disease.

Breakthrough Genomics
Classification: Benign. Review status: criteria provided, single submitter. Criteria: ACMG Guidelines, 2015. Collection method: not provided. Allele origin: germline. Inheritance: Autosomal dominant inheritance. Affected: yes.

PreventionGenetics, part of Exact Sciences
Classification: Benign. Review status: criteria provided, single submitter. Criteria: ACMG Guidelines, 2015. Collection method: clinical testing. Allele origin: germline.

Genome Diagnostics Laboratory, Amsterdam University Medical Center
Classification: Benign. Review status: no assertion criteria provided. Collection method: clinical testing. Allele origin: germline. Affected: yes. Study: VKGL Data-share Consensus. Not counted in ClinVar's aggregate classification.

Joint Genome Diagnostic Labs from Nijmegen and Maastricht, Radboudumc and MUMC+
Classification: Benign. Review status: no assertion criteria provided. Collection method: clinical testing. Allele origin: germline. Affected: yes. Study: VKGL Data-share Consensus. Not counted in ClinVar's aggregate classification.

NM_001844.5(COL2A1):c.4068C>T (p.Gly1356=)

Gene: COL2A1 (collagen type II alpha 1 chain; minus strand). Cytogenetic location: 12q13.11.
Variant type: single nucleotide variant.
Coding change: c.4068C>T on transcript NM_001844.5 (MANE Select); coding-DNA position 4068, C replaced by T.
Protein change: p.Gly1356=; no amino-acid change (glycine 1356 retained).
Molecular consequence: synonymous variant.
Genome position (GRCh38, 1-based): chr12:47,974,681, G>A on the plus strand (C>T on the coding strand, the complement: COL2A1 is on the minus strand). VCF-style: chr12-47974681-G-A. GRCh37 (hg19) VCF-style: chr12-48368464-G-A.
Other names: c.3861C>T, p.Gly1287= (NM_033150.3).
Identifiers: ClinVar variation 258235 (VCV000258235.31), dbSNP rs17122498, ClinGen allele CA6534572.